The following is an entry in ClinVar:

NM_003172.4(SURF1):c.850G>C (p.Ala284Pro)

Gene: SURF1 (SURF1 cytochrome c oxidase assembly factor; minus strand). Cytogenetic location: 9q34.2.
Variant type: single nucleotide variant.
Coding change: c.850G>C on transcript NM_003172.4 (MANE Select); coding-DNA position 850, G replaced by C.
Protein change: p.Ala284Pro; replaces alanine 284 with proline.
Molecular consequence: missense variant.
Genome position (GRCh38, 1-based): chr9:133,351,966, C>G on the plus strand (G>C on the coding strand, the complement: SURF1 is on the minus strand). VCF-style: chr9-133351966-C-G. GRCh37 (hg19) VCF-style: chr9-136218821-C-G.
Other names: c.523G>C, p.Ala175Pro (NM_001280787.1); short protein forms A284P, A175P.
Identifiers: ClinVar variation 2109748 (VCV002109748.4), dbSNP rs781902619, ClinGen allele CA375693387.
Genomic context (GRCh38, chr9:133,351,966, plus strand): 5'-TGATCTGTCACACACCAGGTGTCCCACGTAGGAATTTCTTAAACCACAGGTAGGATGTAG[C>G]TGCAGAGAGTCCATACCTAGGGGTTGAAAGCAAGCCAGCATTAGCAGGCTGCTAGGCTGA-3'
Protein context (NP_003163.1, residues 274-294): YIVTWYGLSA[Ala284Pro]TSYLWFKKFL

ClinVar aggregate classification (germline): Uncertain significance (1 of 4 stars; one submission).

Conditions:
Leigh syndrome (NULS). Also called: Subacute necrotizing encephalopathy; Necrotizing encephalopathy infantile subacute of Leigh; LEIGH SYNDROME, NUCLEAR; Leigh Syndrome (mtDNA deletion); Leigh's necrotizing encephalopathy; Leigh's disease. Identifiers: Orphanet 506, MedGen C2931891, MONDO:0009723, OMIM 256000.

Submission:

Labcorp Genetics (formerly Invitae), Labcorp
Classification: Uncertain significance for Leigh syndrome. Last evaluated: 2022-11-22. Review status: criteria provided, single submitter. Criteria: Invitae Variant Classification Sherloc (09022015). Collection method: clinical testing. Allele origin: germline.
Comment: In summary, the available evidence is currently insufficient to determine the role of this variant in disease. Therefore, it has been classified as a Variant of Uncertain Significance. Advanced modeling of protein sequence and biophysical properties (such as structural, functional, and spatial information, amino acid conservation, physicochemical variation, residue mobility, and thermodynamic stability) performed at Invitae indicates that this missense variant is expected to disrupt SURF1 protein function. This variant has not been reported in the literature in individuals affected with SURF1-related conditions. This variant is not present in population databases (gnomAD no frequency). This sequence change replaces alanine, which is neutral and non-polar, with proline, which is neutral and non-polar, at codon 284 of the SURF1 protein (p.Ala284Pro).